The following is an entry in ClinVar:

NM_001197104.2(KMT2A):c.10268T>C (p.Ile3423Thr)

Gene: KMT2A (lysine methyltransferase 2A; plus strand). Cytogenetic location: 11q23.3.
Variant type: single nucleotide variant.
Coding change: c.10268T>C on transcript NM_001197104.2 (MANE Select); coding-DNA position 10268, T replaced by C.
Protein change: p.Ile3423Thr; replaces isoleucine 3423 with threonine.
Molecular consequence: missense variant.
Genome position (GRCh38, 1-based): chr11:118,506,160, T>C. VCF-style: chr11-118506160-T-C. GRCh37 (hg19) VCF-style: chr11-118376875-T-C.
Other names: c.10358T>C, p.Ile3453Thr (NM_001412597.1); c.10259T>C, p.Ile3420Thr (NM_005933.4); short protein forms I3420T, I3423T, I3453T.
Identifiers: ClinVar variation 2123588 (VCV002123588.4), dbSNP rs2497028670, ClinGen allele CA382823091.

ClinVar aggregate classification (germline): Uncertain significance (1 of 4 stars; one submission).

Allele frequency attached by ClinVar (database versions not stated): gnomAD exomes below 0.00001.
gnomAD v4.1: 1 of 1,614,156 alleles (0.000062%); highest among the groups gnomAD compares: African/African-American, 0.0013%; no homozygotes.

Submission:

Labcorp Genetics (formerly Invitae), Labcorp
Classification: Uncertain significance. Last evaluated: 2023-11-13. Review status: criteria provided, single submitter. Criteria: Invitae Variant Classification Sherloc (09022015). Collection method: clinical testing. Allele origin: germline.
Comment: This sequence change replaces isoleucine, which is neutral and non-polar, with threonine, which is neutral and polar, at codon 3423 of the KMT2A protein (p.Ile3423Thr). This variant is not present in population databases (gnomAD no frequency). This variant has not been reported in the literature in individuals affected with KMT2A-related conditions. ClinVar contains an entry for this variant (Variation ID: 2123588). Advanced modeling of protein sequence and biophysical properties (such as structural, functional, and spatial information, amino acid conservation, physicochemical variation, residue mobility, and thermodynamic stability) performed at Invitae indicates that this missense variant is not expected to disrupt KMT2A protein function with a negative predictive value of 95%. In summary, the available evidence is currently insufficient to determine the role of this variant in disease. Therefore, it has been classified as a Variant of Uncertain Significance.